The following is an entry in ClinVar:

NM_033028.5(BBS4):c.1292G>A (p.Gly431Glu)

Gene: BBS4 (Bardet-Biedl syndrome 4; plus strand). Cytogenetic location: 15q24.1.
Variant type: single nucleotide variant.
Coding change: c.1292G>A on transcript NM_033028.5 (MANE Select); coding-DNA position 1292, G replaced by A.
Protein change: p.Gly431Glu; replaces glycine 431 with glutamic acid.
Molecular consequence: missense variant. On other transcripts: non-coding transcript variant (2).
Genome position (GRCh38, 1-based): chr15:72,736,805, G>A. VCF-style: chr15-72736805-G-A. GRCh37 (hg19) VCF-style: chr15-73029146-G-A.
Other names: c.776G>A, p.Gly259Glu (NM_001252678.2); c.1223G>A, p.Gly408Glu (NM_001320665.2); short protein forms G259E, G408E, G431E.
Identifiers: ClinVar variation 3352704 (VCV003352704.1).

ClinVar aggregate classification (germline): Uncertain significance (0 of 4 stars; one submission).

Conditions:
BBS4-related disorder. Also called: BBS4-related condition.

Submission:

PreventionGenetics, part of Exact Sciences
Classification: Uncertain significance for BBS4-related condition. Last evaluated: 2024-05-16. Review status: no assertion criteria provided. Collection method: clinical testing. Allele origin: germline.
Comment: The BBS4 c.1292G>A variant is predicted to result in the amino acid substitution p.Gly431Glu. To our knowledge, this variant has not been reported in the literature or in a large population database, indicating this variant is rare. At this time, the clinical significance of this variant is uncertain due to the absence of conclusive functional and genetic evidence.